The following is an entry in ClinVar:

NM_007294.4(BRCA1):c.1069A>T (p.Lys357Ter)

Gene: BRCA1 (BRCA1 DNA repair associated; minus strand). Cytogenetic location: 17q21.31.
Variant type: single nucleotide variant.
Coding change: c.1069A>T on transcript NM_007294.4 (MANE Select); coding-DNA position 1069, A replaced by T.
Protein change: p.Lys357Ter; replaces lysine 357 with a stop codon.
Molecular consequence: nonsense. On other transcripts: intron variant (137).
Genome position (GRCh38, 1-based): chr17:43,094,462, T>A on the plus strand (A>T on the coding strand, the complement: BRCA1 is on the minus strand). VCF-style: chr17-43094462-T-A. GRCh37 (hg19) VCF-style: chr17-41246479-T-A.
Other names: c.856A>T, p.Lys286Ter (NM_001407571.1, NM_001407853.1, NM_001407894.1 and 9 more transcripts); c.1069A>T, p.Lys357Ter (NM_001407581.1, NM_001407582.1, NM_001407583.1 and 30 more transcripts); c.1066A>T, p.Lys356Ter (NM_001407587.1, NM_001407590.1, NM_001407591.1 and 22 more transcripts); c.1060A>T, p.Lys354Ter (NM_001407646.1, NM_001407647.1); c.946A>T, p.Lys316Ter (NM_001407648.1, NM_001407664.1, NM_001407665.1 and 19 more transcripts); c.943A>T, p.Lys315Ter (NM_001407649.1, NM_001407670.1, NM_001407671.1 and 11 more transcripts); c.991A>T, p.Lys331Ter (NM_001407653.1, NM_001407654.1, NM_001407655.1 and 4 more transcripts); c.988A>T, p.Lys330Ter (NM_001407659.1, NM_001407660.1, NM_001407661.1 and 1 more transcripts); and 40 more; short protein forms K310*, K357*, K189*, K230*, K286*, K287*, K309*, K268*.
Identifiers: ClinVar variation 848630 (VCV000848630.13), dbSNP rs2053998767, ClinGen allele CA10599919.
Genomic context (GRCh38, chr17:43,094,462, plus strand): 5'-TATTTAGTGTTATCCAAGGAACATCTTCAGTATCTCTAGGATTCTCTGAGCATGGCAGTT[T>A]CTGCTTATTCCATTCTTTTCTCTCACACAGGGGATCAGCATTCAGATCTACCTTTTTTTC-3'

ClinVar aggregate classification (germline): Pathogenic. Review status: criteria provided, multiple submitters, no conflicts (2 of 4 stars). 2 submissions from 2 submitters: Pathogenic (2). Last evaluated 2025-10-27.

Conditions:
Hereditary breast ovarian cancer syndrome. Also called: Hereditary breast and ovarian cancer syndrome; Breast and ovarian cancer; Hereditary breast and/or ovarian cancer syndrome; Hereditary breast and ovarian cancer; BRCA1- and BRCA2-Associated Hereditary Breast and Ovarian Cancer; Hereditary breast and ovarian cancer syndrome (HBOC). Identifiers: Orphanet 145, MedGen C0677776, MeSH D061325, MONDO:0003582. Disease mechanism: loss of function.
Hereditary cancer-predisposing syndrome. Also called: Tumor predisposition; Neoplastic Syndromes, Hereditary; Hereditary neoplastic syndrome; Hereditary Cancer Syndrome. Identifiers: Orphanet 140162, MedGen C0027672, MeSH D009386, MONDO:0015356.

Submissions (2):

Labcorp Genetics (formerly Invitae), Labcorp
Classification: Pathogenic for Hereditary breast ovarian cancer syndrome. Last evaluated: 2025-10-27. Review status: criteria provided, single submitter. Criteria: Invitae Variant Classification Sherloc (09022015). Collection method: clinical testing. Allele origin: germline.
Comment: This sequence change creates a premature translational stop signal (p.Lys357*) in the BRCA1 gene. It is expected to result in an absent or disrupted protein product. Loss-of-function variants in BRCA1 are known to be pathogenic (PMID: 20104584). This variant is not present in population databases (gnomAD no frequency). This premature translational stop signal has been observed in individual(s) with breast cancer (PMID: 25480878). This variant is also known as 1188A>T. ClinVar contains an entry for this variant (Variation ID: 848630). For these reasons, this variant has been classified as Pathogenic.

Ambry Genetics
Classification: Pathogenic for Hereditary cancer-predisposing syndrome. Last evaluated: 2025-05-16. Review status: criteria provided, single submitter. Criteria: Ambry Variant Classification Scheme 2023. Collection method: clinical testing. Allele origin: germline.
Comment: The p.K357* pathogenic mutation (also known as c.1069A>T), located in coding exon 9 of the BRCA1 gene, results from an A to T substitution at nucleotide position 1069. This changes the amino acid from a lysine to a stop codon within coding exon 9. This variant was reported in individual(s) with features consistent with BRCA1-related cancer predisposition (Wang C et al. Ann Oncol, 2015 Mar;26:523-8; Yao L et al. J Hum Genet, 2022 Nov;67:639-642). Note, this variant is also referred to as 1188A>T in the literature. This variant is considered to be rare based on population cohorts in the Genome Aggregation Database (gnomAD). In addition to the clinical data presented in the literature, this alteration is expected to result in loss of function by premature protein truncation or nonsense-mediated mRNA decay. As such, this alteration is interpreted as a disease-causing mutation.

Literature cited by the submitters: PubMed 20104584 (cited by Labcorp Genetics (formerly Invitae), Labcorp); PubMed 25480878 (cited by Labcorp Genetics (formerly Invitae), Labcorp and Ambry Genetics); PubMed 35864222 (cited by Ambry Genetics).